The following is an entry in ClinVar:

NM_001308093.3(GATA4):c.402T>G (p.Ser134Arg)

Gene: GATA4 (GATA binding protein 4). Cytogenetic location: 8p23.1.
Variant type: single nucleotide variant.
Coding change: c.402T>G on transcript NM_001308093.3 (MANE Select); coding-DNA position 402, T replaced by G.
Protein change: p.Ser134Arg; replaces serine 134 with arginine.
Molecular consequence: missense variant. On other transcripts: intron variant (3).
Genome position (GRCh38, 1-based): chr8:11,708,714, T>G. VCF-style: chr8-11708714-T-G. GRCh37 (hg19) VCF-style: chr8-11566223-T-G.
Other names: c.402T>G, p.Ser134Arg (NM_002052.5); c.-6+7936T>G (NM_001308094.2); c.-3+700T>G (NM_001374274.1); c.-3+4410T>G (NM_001374273.1); short protein forms S134R.
Identifiers: ClinVar variation 4774521 (VCV004774521.1).

ClinVar aggregate classification (germline): Uncertain significance (1 of 4 stars; one submission).

Conditions:
Atrioventricular septal defect 4 (AVSD4). Identifiers: MedGen C3280781, MONDO:0013747, OMIM 614430.

Submission:

Labcorp Genetics (formerly Invitae), Labcorp
Classification: Uncertain significance for Atrioventricular septal defect 4. Last evaluated: 2026-01-14. Review status: criteria provided, single submitter. Criteria: Invitae Variant Classification Sherloc (09022015). Collection method: clinical testing. Allele origin: germline.
Comment: This sequence change replaces serine, which is neutral and polar, with arginine, which is basic and polar, at codon 134 of the GATA4 protein (p.Ser134Arg). This variant is not present in population databases (gnomAD no frequency). This variant has not been reported in the literature in individuals affected with GATA4-related conditions. Invitae Evidence Modeling of protein sequence and biophysical properties (such as structural, functional, and spatial information, amino acid conservation, physicochemical variation, residue mobility, and thermodynamic stability) has been performed for this missense variant. However, the output from this modeling did not meet the statistical confidence thresholds required to predict the impact of this variant on GATA4 protein function. In summary, the available evidence is currently insufficient to determine the role of this variant in disease. Therefore, it has been classified as a Variant of Uncertain Significance.